The following is an entry in ClinVar:

NM_004260.4(RECQL4):c.2392T>C (p.Tyr798His)

Gene: RECQL4 (RecQ like helicase 4; minus strand). Cytogenetic location: 8q24.3.
Variant type: single nucleotide variant.
Coding change: c.2392T>C on transcript NM_004260.4 (MANE Select); coding-DNA position 2392, T replaced by C.
Protein change: p.Tyr798His; replaces tyrosine 798 with histidine.
Molecular consequence: missense variant. On other transcripts: non-coding transcript variant (3), intron variant (3).
Genome position (GRCh38, 1-based): chr8:144,513,289, A>G on the plus strand (T>C on the coding strand, the complement: RECQL4 is on the minus strand). VCF-style: chr8-144513289-A-G. GRCh37 (hg19) VCF-style: chr8-145738672-A-G.
Other names: c.1255T>C, p.Tyr419His (NM_001413030.1, NM_001413032.1, NM_001413041.1 and 1 more transcripts); c.1123T>C, p.Tyr375His (NM_001413031.1); c.2260T>C, p.Tyr754His (NM_001413033.1); c.1321T>C, p.Tyr441His (NM_001413034.1, NM_001413035.1, NM_001413040.1 and 5 more transcripts); c.2392T>C, p.Tyr798His (NM_001413036.1, NM_001413019.1); c.1189T>C, p.Tyr397His (NM_001413037.1); c.2362T>C, p.Tyr788His (NM_001413039.1); c.1291T>C, p.Tyr431His (NM_001413042.1); and 7 more; short protein forms Y681H, Y766H, Y397H, Y419H, Y798H, Y375H, Y431H, Y754H.
Identifiers: ClinVar variation 2692748 (VCV002692748.3), dbSNP rs1586802077, ClinGen allele CA372678219.

ClinVar aggregate classification (germline): Uncertain significance (1 of 4 stars; one submission).

Conditions:
Baller-Gerold syndrome (BGS). Also called: CRANIOSYNOSTOSIS WITH RADIAL DEFECTS. Identifiers: Orphanet 1225, MedGen C0265308, MONDO:0009039, OMIM 218600.

Allele frequency attached by ClinVar (database versions not stated): gnomAD exomes below 0.00001.
gnomAD v4.1: 1 of 1,599,094 alleles (0.000063%); highest among the groups gnomAD compares: Non-Finnish European, 0.000085%; no homozygotes.

Submission:

Labcorp Genetics (formerly Invitae), Labcorp
Classification: Uncertain significance for Baller-Gerold syndrome. Last evaluated: 2023-11-02. Review status: criteria provided, single submitter. Criteria: Invitae Variant Classification Sherloc (09022015). Collection method: clinical testing. Allele origin: germline.
Comment: This sequence change replaces tyrosine, which is neutral and polar, with histidine, which is basic and polar, at codon 798 of the RECQL4 protein (p.Tyr798His). This variant is not present in population databases (gnomAD no frequency). This variant has not been reported in the literature in individuals affected with RECQL4-related conditions. Advanced modeling of protein sequence and biophysical properties (such as structural, functional, and spatial information, amino acid conservation, physicochemical variation, residue mobility, and thermodynamic stability) performed at Invitae indicates that this missense variant is expected to disrupt RECQL4 protein function with a positive predictive value of 80%. In summary, the available evidence is currently insufficient to determine the role of this variant in disease. Therefore, it has been classified as a Variant of Uncertain Significance.